The following is an entry in ClinVar:

NM_002838.5(PTPRC):c.3130G>A (p.Gly1044Ser)

Gene: PTPRC (protein tyrosine phosphatase receptor type C; plus strand). Cytogenetic location: 1q32.1.
Variant type: single nucleotide variant.
Coding change: c.3130G>A on transcript NM_002838.5 (MANE Select); coding-DNA position 3130, G replaced by A.
Protein change: p.Gly1044Ser; replaces glycine 1044 with serine.
Molecular consequence: missense variant.
Genome position (GRCh38, 1-based): chr1:198,750,549, G>A. VCF-style: chr1-198750549-G-A. GRCh37 (hg19) VCF-style: chr1-198719678-G-A.
Other names: c.2647G>A, p.Gly883Ser (NM_080921.4); c.3124G>A (NM_002838.3); short protein forms G1044S, G883S.
Identifiers: ClinVar variation 1034540 (VCV001034540.5), dbSNP rs535347024, ClinGen allele CA1315359.

ClinVar aggregate classification (germline): Uncertain significance. Review status: criteria provided, multiple submitters, no conflicts (2 of 4 stars). 2 submissions from 2 submitters: Uncertain significance (2). Last evaluated 2025-01-23.

Conditions:
Inborn genetic diseases. Identifiers: MedGen C0950123, MeSH D030342.
Immunodeficiency 104. Also called: IMMUNODEFICIENCY 104, SEVERE COMBINED; SCID, AUTOSOMAL RECESSIVE, T CELL-NEGATIVE, B CELL-POSITIVE, NK CELL-POSITIVE; Severe Combined Immune Deficiency, Autosomal Recessive, TCell -Negative, B Cell-Positive, NK Cell-Positive, IL7R-Related; Severe combined immunodeficiency, autosomal recessive, T cell-negative, B cell-positive, NK cell-positive. Identifiers: MedGen C5676890, MONDO:0012163, OMIM 608971.

Allele frequency attached by ClinVar (database versions not stated): gnomAD exomes below 0.00001 and 0.00001; gnomAD 0.00001; TOPMed 0.00001; ExAC 0.00002; 1000 Genomes Project 30x 0.00016; 1000 Genomes Project 0.00020.
gnomAD v4.1: 7 of 1,612,100 alleles (0.00043%); highest among the groups gnomAD compares: Admixed American, 0.01%; no homozygotes.

Submissions (2):

Ambry Genetics
Classification: Uncertain significance for Inborn genetic diseases. Last evaluated: 2025-01-23. Review status: criteria provided, single submitter. Criteria: Ambry Variant Classification Scheme 2023. Collection method: clinical testing. Allele origin: germline.

Labcorp Genetics (formerly Invitae), Labcorp
Classification: Uncertain significance for Immunodeficiency 104. Last evaluated: 2022-08-22. Review status: criteria provided, single submitter. Criteria: Invitae Variant Classification Sherloc (09022015). Collection method: clinical testing. Allele origin: germline.
Comment: This sequence change replaces glycine, which is neutral and non-polar, with serine, which is neutral and polar, at codon 1044 of the PTPRC protein (p.Gly1044Ser). This variant is present in population databases (rs535347024, gnomAD 0.006%). This variant has not been reported in the literature in individuals affected with PTPRC-related conditions. ClinVar contains an entry for this variant (Variation ID: 1034540). Algorithms developed to predict the effect of missense changes on protein structure and function output the following: SIFT: "Deleterious"; PolyPhen-2: "Benign"; Align-GVGD: "Class C55". The serine amino acid residue is found in multiple mammalian species, which suggests that this missense change does not adversely affect protein function. In summary, the available evidence is currently insufficient to determine the role of this variant in disease. Therefore, it has been classified as a Variant of Uncertain Significance.